The following is an entry in ClinVar:

ClinVar aggregate classification (germline): Likely pathogenic (0 of 4 stars; one submission).

Conditions:
3M syndrome 1. Also called: 3-M Syndrome, CUL7-Related. Identifiers: Orphanet 2616, MedGen C2678312, MONDO:0010117, OMIM 273750.

Submission:

Hacettepe Genetic Diseases Diagnosis Center, Hacettepe University Faculty of Medicine
Classification: Likely pathogenic for 3M syndrome 1. Last evaluated: 2016-09-04. Review status: no assertion criteria provided. Collection method: clinical testing. Allele origin: germline. Inheritance: Autosomal recessive inheritance. Affected: yes. Observed: 1 homozygote.
Comment: The c.3089delC (p.Pro1030Leufs*111) variant meets our criteria to be classified as likely pathogenic.

Literature cited by the submitters: PubMed 30980518.

NM_014780.5(CUL7):c.3089del (p.Pro1030fs)

Gene: CUL7 (cullin 7; minus strand). Cytogenetic location: 6p21.1.
Variant type: Deletion.
Coding change: c.3089del on transcript NM_014780.5 (MANE Select); coding-DNA position 3089, one base deleted (C; older notation c.3089delC).
Protein change: p.Pro1030fs; shifts the reading frame from proline 1030.
Molecular consequence: frameshift variant.
Genome position (GRCh38, 1-based): chr6:43,044,835, G deleted on the plus strand (C on the coding strand, the reverse complement: CUL7 is on the minus strand); the first of 3 consecutive G bases (chr6:43,044,835-43,044,837); deleting any one gives the same sequence. VCF-style (leftmost placement, unchanged base first): chr6-43044834-AG-A. GRCh37 (hg19) VCF-style: chr6-43012572-AG-A.
Other names: c.3089delC (NM_014780.4); c.3185del, p.Pro1062fs (NM_001168370.2, NM_001374872.1); c.3089del, p.Pro1030fs (NM_001374873.1, NM_001374874.1); short protein forms P1030fs, P1062fs.
Identifiers: ClinVar variation 599273 (VCV000599273.2), dbSNP rs1561881909, ClinGen allele CA913189790.